The following is an entry in ClinVar:

NM_001605.3(AARS1):c.1645G>A (p.Val549Met)

Gene: AARS1 (alanyl-tRNA synthetase 1; minus strand). Cytogenetic location: 16q22.1.
Variant type: single nucleotide variant.
Coding change: c.1645G>A on transcript NM_001605.3 (MANE Select); coding-DNA position 1645, G replaced by A.
Protein change: p.Val549Met; replaces valine 549 with methionine.
Molecular consequence: missense variant.
Genome position (GRCh38, 1-based): chr16:70,262,372, C>T on the plus strand (G>A on the coding strand, the complement: AARS1 is on the minus strand). VCF-style: chr16-70262372-C-T. GRCh37 (hg19) VCF-style: chr16-70296275-C-T.
Other names: p.Val549Met; c.1645G>A (NM_001605.2); short protein forms V549M.
Identifiers: ClinVar variation 1682209 (VCV001682209.9), dbSNP rs558645844, ClinGen allele CA8140742.
Genomic context (GRCh38, chr16:70,262,372, plus strand): 5'-CTCCTCGGCTAACAAGGAAGAACTGTTGGCTCACATCTTCACTGCTGTCATCCACCTTCA[C>T]CAGGTAGCCTTCGTCATAGATCTGGCCTCCTTGCTCAGCATAGAAACAGGTCTTGTCCAG-3'
Protein context (NP_001596.2, residues 539-559): GGQIYDEGYL[Val549Met]KVDDSSEDKT

ClinVar aggregate classification (germline): Uncertain significance. Review status: criteria provided, multiple submitters, no conflicts (2 of 4 stars). 2 submissions from 2 submitters: Uncertain significance (2). Last evaluated 2025-12-06.

Conditions:
Charcot-Marie-Tooth disease type 2. Also called: Charcot-Marie-Tooth type 2. Identifiers: Orphanet 64746, MedGen C0270914, MONDO:0018993.

Allele frequency attached by ClinVar (database versions not stated): gnomAD exomes 0.00001; TOPMed below 0.00001; ExAC 0.00001; gnomAD 0.00002.

Submissions (2):

Mayo Clinic Laboratories, Mayo Clinic
Classification: Uncertain significance. Last evaluated: 2025-12-06. Review status: criteria provided, single submitter. Criteria: ACMG Guidelines, 2015. Collection method: clinical testing. Allele origin: germline. Observed: 1 variant allele.

Labcorp Genetics (formerly Invitae), Labcorp
Classification: Uncertain significance for Charcot-Marie-Tooth disease type 2. Last evaluated: 2022-11-30. Review status: criteria provided, single submitter. Criteria: Invitae Variant Classification Sherloc (09022015). Collection method: clinical testing. Allele origin: germline.
Comment: This sequence change replaces valine, which is neutral and non-polar, with methionine, which is neutral and non-polar, at codon 549 of the AARS protein (p.Val549Met). This variant is present in population databases (rs558645844, gnomAD 0.002%). This variant has not been reported in the literature in individuals affected with AARS-related conditions. ClinVar contains an entry for this variant (Variation ID: 1682209). Advanced modeling of protein sequence and biophysical properties (such as structural, functional, and spatial information, amino acid conservation, physicochemical variation, residue mobility, and thermodynamic stability) performed at Invitae indicates that this missense variant is not expected to disrupt AARS protein function. In summary, the available evidence is currently insufficient to determine the role of this variant in disease. Therefore, it has been classified as a Variant of Uncertain Significance.